The following is an entry in ClinVar:

ClinVar aggregate classification (germline): Pathogenic (1 of 4 stars; one submission).

Submission:

Labcorp Genetics (formerly Invitae), Labcorp
Classification: Pathogenic. Last evaluated: 2023-06-03. Review status: criteria provided, single submitter. Criteria: Invitae Variant Classification Sherloc (09022015). Collection method: clinical testing. Allele origin: germline.
Comment: This sequence change creates a premature translational stop signal (p.Leu776*) in the LIFR gene. It is expected to result in an absent or disrupted protein product. Loss-of-function variants in LIFR are known to be pathogenic (PMID: 14740318). This variant is not present in population databases (gnomAD no frequency). This variant has not been reported in the literature in individuals affected with LIFR-related conditions. ClinVar contains an entry for this variant (Variation ID: 839596). For these reasons, this variant has been classified as Pathogenic.

Literature cited by the submitters: PubMed 14740318.

NM_001127671.2(LIFR):c.2327del (p.Val775_Leu776insTer)

Gene: LIFR (LIF receptor subunit alpha; minus strand). Cytogenetic location: 5p13.1.
Variant type: Deletion.
Coding change: c.2327del on transcript NM_001127671.2 (MANE Select); coding-DNA position 2327, one base deleted (T; older notation c.2327delT).
Protein change: p.Val775_Leu776insTer.
Molecular consequence: nonsense.
Genome position (GRCh38, 1-based): chr5:38,489,086, A deleted on the plus strand (T on the coding strand, the reverse complement: LIFR is on the minus strand); the first of 4 consecutive A bases (chr5:38,489,086-38,489,089); deleting any one gives the same sequence. VCF-style (leftmost placement, unchanged base first): chr5-38489085-TA-T. GRCh37 (hg19) VCF-style: chr5-38489187-TA-T.
Other names: c.2327del, p.Val775_Leu776insTer (NM_001364297.2, NM_001364298.2, NM_002310.6).
Identifiers: ClinVar variation 839596 (VCV000839596.7), dbSNP rs1744436254, ClinGen allele CA916082704.
Genomic context (GRCh38, chr5:38,489,085, plus strand): 5'-GGTTAATGAGAAACTTCTAAGAAACACTTTCCTTGTGCTATCAATTTACTCACCTGATTC[TA>T]AAACCCTCATCTTAGATGTGTCTCTTTCTCCTTTTCCAAAGTAAAACAAATATCCTCTTA-3'